The following is an entry in ClinVar:

NM_005956.4(MTHFD1):c.1950T>G (p.Ile650Met)

Gene: MTHFD1 (methylenetetrahydrofolate dehydrogenase, cyclohydrolase and formyltetrahydrofolate synthetase 1; plus strand). Cytogenetic location: 14q23.3.
Variant type: single nucleotide variant.
Coding change: c.1950T>G on transcript NM_005956.4 (MANE Select); coding-DNA position 1950, T replaced by G.
Protein change: p.Ile650Met; replaces isoleucine 650 with methionine.
Molecular consequence: missense variant.
Genome position (GRCh38, 1-based): chr14:64,442,119, T>G. VCF-style: chr14-64442119-T-G. GRCh37 (hg19) VCF-style: chr14-64908837-T-G.
Other names: c.1950T>G, p.Ile650Met (NM_001364837.1); short protein forms I650M.
Identifiers: ClinVar variation 1690944 (VCV001690944.4), dbSNP rs559405420, ClinGen allele CA7226440.
Genomic context (GRCh38, chr14:64,442,119, plus strand): 5'-TCCAGTGTTTGTCCATGCTGGCCCGTTTGCCAACATCGCACATGGCAATTCCTCCATCAT[T>G]GCAGACCGGATCGCACTCAAGCTTGTTGGCCCAGAAGGGTTTGTAGGTTAGTGTTTTTTG-3'
Protein context (NP_005947.3, residues 640-660): ANIAHGNSSI[Ile650Met]ADRIALKLVG

ClinVar aggregate classification (germline): Uncertain significance. Review status: criteria provided, multiple submitters, no conflicts (2 of 4 stars). 2 submissions from 2 submitters: Uncertain significance (2). Last evaluated 2022-07-26.

Allele frequency attached by ClinVar (database versions not stated): gnomAD 0.00005 and 0.00006; TOPMed 0.00011; 1000 Genomes Project 30x 0.00016; 1000 Genomes Project 0.00020.
gnomAD v4.1: 14 of 1,614,202 alleles (0.00087%); highest among the groups gnomAD compares: Admixed American, 0.023%; no homozygotes.

Submissions (2):

Labcorp Genetics (formerly Invitae), Labcorp
Classification: Uncertain significance. Last evaluated: 2022-07-26. Review status: criteria provided, single submitter. Criteria: Invitae Variant Classification Sherloc (09022015). Collection method: clinical testing. Allele origin: germline.
Comment: This sequence change replaces isoleucine, which is neutral and non-polar, with methionine, which is neutral and non-polar, at codon 650 of the MTHFD1 protein (p.Ile650Met). This variant is present in population databases (rs559405420, gnomAD 0.01%). This variant has not been reported in the literature in individuals affected with MTHFD1-related conditions. ClinVar contains an entry for this variant (Variation ID: 1690944). Algorithms developed to predict the effect of missense changes on protein structure and function are either unavailable or do not agree on the potential impact of this missense change (SIFT: "Deleterious"; PolyPhen-2: "Benign"; Align-GVGD: "Class C0"). In summary, the available evidence is currently insufficient to determine the role of this variant in disease. Therefore, it has been classified as a Variant of Uncertain Significance.

Laboratorio de Genetica e Diagnostico Molecular, Hospital Israelita Albert Einstein
Classification: Uncertain significance. Last evaluated: 2020-10-04. Review status: criteria provided, single submitter. Criteria: ACMG Guidelines, 2015. Collection method: clinical testing. Allele origin: germline. Affected: yes.
Comment: ACMG classification criteria: BP4